The following is an entry in ClinVar:

NC_000011.9:g.(?_116706880)_(116714426_?)del

Genes: SIK3 (SIK family kinase 3; minus strand), APOA1 (apolipoprotein A1; minus strand). Cytogenetic location: 11q23.3.
Variant type: Deletion.
Identifiers: ClinVar variation 2422186 (VCV002422186.4).

ClinVar aggregate classification (germline): Pathogenic (1 of 4 stars; one submission).

Submission:

Labcorp Genetics (formerly Invitae), Labcorp
Classification: Pathogenic. Last evaluated: 2022-02-04. Review status: criteria provided, single submitter. Criteria: Invitae Variant Classification Sherloc (09022015). Collection method: clinical testing. Allele origin: germline.
Comment: For these reasons, this variant has been classified as Pathogenic. This variant has not been reported in the literature in individuals affected with APOA1-related conditions. This variant results in the deletion of exons 2-3 and part of exon 4 (c.-6126_447del) of the APOA1 gene. It is expected to result in an absent or disrupted protein product. Loss-of-function variants in APOA1 are known to be pathogenic (PMID: 7583566, 7981179, 8282791).

Literature cited by the submitters: PubMed 7583566; PubMed 7981179; PubMed 8282791.